The following is an entry in ClinVar:

NM_178857.6(RP1L1):c.3516_3517dup (p.Trp1173fs)

Gene: RP1L1 (RP1 like 1). Cytogenetic location: 8p23.1.
Variant type: Microsatellite.
Coding change: c.3516_3517dup on transcript NM_178857.6 (MANE Select); coding-DNA positions 3516 to 3517, 2 bases duplicated.
Protein change: p.Trp1173fs; shifts the reading frame from tryptophan 1173.
Molecular consequence: frameshift variant.
Genome position: GRCh38 VCF-style: chr8-10610580-C-CAG. GRCh37 (hg19) VCF-style: chr8-10468090-C-CAG.
Other names: short protein forms W1173fs.
Identifiers: ClinVar variation 5007263 (VCV005007263.2).
Genomic context (GRCh38, chr8:10,610,580, plus strand): 5'-AAGTTCTCCGTCATGGCATGGGACCCAAGGTCTGGCAGAGCCTGGCTCCATGTGAGCTCC[C>CAG]AGAGGCCTGAGTCCAGCTGGTCTTCCCCAACGTCACATCCTGGCCACAGGTCCTTCGAGA-3'

ClinVar aggregate classification (germline): Uncertain significance (1 of 4 stars; one submission).

Conditions:
Retinitis pigmentosa 88. Identifiers: MedGen C5394208, MONDO:0032940, OMIM 618826.

Submission:

Juno Genomics, Hangzhou Juno Genomics, Inc
Classification: Uncertain significance for Retinitis pigmentosa 88. Review status: criteria provided, single submitter. Criteria: ACMG Guidelines, 2015. Collection method: clinical testing. Allele origin: germline.
Comment: Null variant in a gene where loss of function (LOF) is a known mechanism of disease.;Absent from controls (or at extremely low frequency if recessive) in Genome Aggregation Database.